The following is an entry in ClinVar:

NM_032444.4(SLX4):c.1559C>G (p.Pro520Arg)

Gene: SLX4 (SLX4 structure-specific endonuclease subunit; minus strand). Cytogenetic location: 16p13.3.
Variant type: single nucleotide variant.
Coding change: c.1559C>G on transcript NM_032444.4 (MANE Select); coding-DNA position 1559, C replaced by G.
Protein change: p.Pro520Arg; replaces proline 520 with arginine.
Molecular consequence: missense variant.
Genome position (GRCh38, 1-based): chr16:3,597,503, G>C on the plus strand (C>G on the coding strand, the complement: SLX4 is on the minus strand). VCF-style: chr16-3597503-G-C. GRCh37 (hg19) VCF-style: chr16-3647504-G-C.
Other names: short protein forms P520R.
Identifiers: ClinVar variation 2739263 (VCV002739263.3), dbSNP rs2548218914, ClinGen allele CA394528813.
Genomic context (GRCh38, chr16:3,597,503, plus strand): 5'-CAGGCCCCAGTCAGTGCGCTGCCCTCCCACAGAAAGCTCTGCTTGCGTTCAGGTGGAGGA[G>C]GACACTGGCCCGCTCTTTCCCACCCTTCCTTTAAAATCCTGCTGGCAGGAAGTGGTGGCG-3'
Protein context (NP_115820.2, residues 510-530): KEGWERAGQC[Pro520Arg]PPPERKQSFL

ClinVar aggregate classification (germline): Uncertain significance (1 of 4 stars; one submission).

Conditions:
Fanconi anemia (FA). Also called: Fanconi's anemia. Identifiers: Orphanet 84, MedGen C0015625, MeSH D005199, MONDO:0019391.

Submission:

Labcorp Genetics (formerly Invitae), Labcorp
Classification: Uncertain significance for Fanconi anemia. Last evaluated: 2023-10-10. Review status: criteria provided, single submitter. Criteria: Invitae Variant Classification Sherloc (09022015). Collection method: clinical testing. Allele origin: germline.
Comment: This sequence change replaces proline, which is neutral and non-polar, with arginine, which is basic and polar, at codon 520 of the SLX4 protein (p.Pro520Arg). This variant is not present in population databases (gnomAD no frequency). This variant has not been reported in the literature in individuals affected with SLX4-related conditions. An algorithm developed to predict the effect of missense changes on protein structure and function (PolyPhen-2) suggests that this variant is likely to be tolerated. In summary, the available evidence is currently insufficient to determine the role of this variant in disease. Therefore, it has been classified as a Variant of Uncertain Significance.